The following is an entry in ClinVar:

ClinVar aggregate classification (germline): Uncertain significance (1 of 4 stars; one submission).

gnomAD v4.1: 3 of 1,612,778 alleles (0.00019%); highest among the groups gnomAD compares: Non-Finnish European, 0.00017%; no homozygotes.

Submission:

CeGaT Center for Human Genetics Tuebingen
Classification: Uncertain significance. Last evaluated: 2023-12-01. Review status: criteria provided, single submitter. Criteria: CeGaT Center For Human Genetics Tuebingen Variant Classification Criteria Version 2. Collection method: clinical testing. Allele origin: germline. Affected: yes. Observed: 1 variant allele.
Comment: LIG3: PM2, PM3, PP3

NM_013975.4(LIG3):c.1286+6T>C

Gene: LIG3 (DNA ligase 3; plus strand). Cytogenetic location: 17q12.
Variant type: single nucleotide variant.
Coding change: c.1286+6T>C on transcript NM_013975.4 (MANE Select); 6 bases into the intron after coding-DNA position 1286, T replaced by C.
Molecular consequence: intron variant.
Genome position (GRCh38, 1-based): chr17:34,992,041, T>C. VCF-style: chr17-34992041-T-C. GRCh37 (hg19) VCF-style: chr17-33319060-T-C.
Other names: c.1286+6T>C (NM_002311.5).
Identifiers: ClinVar variation 3026092 (VCV003026092.22), dbSNP rs918329292, ClinGen allele CA2637236908.